The following is an entry in ClinVar:

NM_001099415.3(POM121C):c.1947C>T (p.Ser649=)

Gene: POM121C (POM121 transmembrane nucleoporin C; minus strand). Cytogenetic location: 7q11.23.
Variant type: single nucleotide variant.
Coding change: c.1947C>T on transcript NM_001099415.3 (MANE Select); coding-DNA position 1947, C replaced by T.
Protein change: p.Ser649=; no amino-acid change (serine 649 retained).
Molecular consequence: synonymous variant.
Genome position (GRCh38, 1-based): chr7:75,422,305, G>A on the plus strand (C>T on the coding strand, the complement: POM121C is on the minus strand). VCF-style: chr7-75422305-G-A. GRCh37 (hg19) VCF-style: chr7-75051588-G-A.
Identifiers: ClinVar variation 4280911 (VCV004280911.7).

ClinVar aggregate classification (germline): Likely benign (1 of 4 stars; one submission).

Submission:

CeGaT Center for Human Genetics Tuebingen
Classification: Likely benign. Last evaluated: 2025-09-01. Review status: criteria provided, single submitter. Criteria: CeGaT Center For Human Genetics Tuebingen Variant Classification Criteria Version 2. Collection method: clinical testing. Allele origin: germline. Affected: yes. Observed: 1 variant allele.
Comment: POM121C: BP4, BP7